The following is an entry in ClinVar:

NM_000426.4(LAMA2):c.7119G>C (p.Ser2373=)

Gene: LAMA2 (laminin subunit alpha 2; plus strand). Cytogenetic location: 6q22.33.
Variant type: single nucleotide variant.
Coding change: c.7119G>C on transcript NM_000426.4 (MANE Select); coding-DNA position 7119, G replaced by C.
Protein change: p.Ser2373=; no amino-acid change (serine 2373 retained).
Molecular consequence: synonymous variant.
Genome position (GRCh38, 1-based): chr6:129,464,416, G>C. VCF-style: chr6-129464416-G-C. GRCh37 (hg19) VCF-style: chr6-129785561-G-C.
Other names: c.7119G>C, p.Ser2373= (NM_001079823.2); c.7119G>C (NM_000426.3).
Identifiers: ClinVar variation 1575795 (VCV001575795.9), dbSNP rs780101728, ClinGen allele CA3994446.
Genomic context (GRCh38, chr6:129,464,416, plus strand): 5'-TCCCATTCGCTGGTACCCCAACATCTCCACTGTCATGTTCAAGTTCAGAACATTTTCTTC[G>C]AGTGCTCTTCTGATGTATCTTGCCACACGAGACCTGGTAAAGATCATATGCATAGCAGAG-3'
Protein context (NP_000417.3, residues 2363-2383): TVMFKFRTFS[Ser2373=]SALLMYLATR

ClinVar aggregate classification (germline): Likely benign. Review status: criteria provided, multiple submitters, no conflicts (2 of 4 stars). 2 submissions from 2 submitters: Likely benign (2). Last evaluated 2025-05-13.

Conditions:
LAMA2-related muscular dystrophy (LAMA2-RD). Also called: Laminin alpha 2-related dystrophy. Identifiers: MedGen C5679788, MONDO:0100228.
LAMA2-related disorder. Also called: LAMA2-related disorders; LAMA2-related condition.

gnomAD v4.1: 7 of 1,612,050 alleles (0.00043%); highest among the groups gnomAD compares: Admixed American, 0.012%; no homozygotes.

Submissions (2):

Labcorp Genetics (formerly Invitae), Labcorp
Classification: Likely benign for LAMA2-related muscular dystrophy. Last evaluated: 2025-05-13. Review status: criteria provided, single submitter. Criteria: Invitae Variant Classification Sherloc (09022015). Collection method: clinical testing. Allele origin: germline.

PreventionGenetics, part of Exact Sciences
Classification: Likely benign for LAMA2-related condition. Last evaluated: 2025-01-23. Review status: criteria provided, single submitter. Criteria: ACMG Guidelines, 2015. Collection method: clinical testing. Allele origin: germline.
Comment: This variant is classified as likely benign based on ACMG/AMP sequence variant interpretation guidelines (Richards et al. 2015 PMID: 25741868, with internal and published modifications).